The following is an entry in ClinVar:

ClinVar aggregate classification (germline): Pathogenic (1 of 4 stars; one submission).

Conditions:
Hereditary cancer-predisposing syndrome. Also called: Tumor predisposition; Hereditary Cancer Syndrome; Neoplastic Syndromes, Hereditary; Hereditary neoplastic syndrome. Identifiers: Orphanet 140162, MedGen C0027672, MeSH D009386, MONDO:0015356.

Submission:

Ambry Genetics
Classification: Pathogenic for Hereditary cancer-predisposing syndrome. Last evaluated: 2017-07-31. Review status: criteria provided, single submitter. Criteria: Ambry Variant Classification Scheme 2023. Collection method: clinical testing. Allele origin: germline.
Comment: The c.263_277del15insTA pathogenic mutation, located in coding exon 3 of the TSC1 gene, results from the deletion of 15 nucleotides and insertion of two nucleotides causing a translational frameshift with a predicted alternate stop codon (p.S88Lfs*6). This alteration is expected to result in loss of function by premature protein truncation or nonsense-mediated mRNA decay. As such, this alteration is interpreted as a disease-causing mutation.

NM_000368.5(TSC1):c.263_277delinsTA (p.Ser88fs)

Gene: TSC1 (TSC complex subunit 1; minus strand). Cytogenetic location: 9q34.13.
Variant type: Indel.
Coding change: c.263_277delinsTA on transcript NM_000368.5 (MANE Select); coding-DNA positions 263 to 277, CCATCCTCTCGTTAC replaced by TA.
Protein change: p.Ser88fs; shifts the reading frame from serine 88.
Molecular consequence: frameshift variant. On other transcripts: 5 prime UTR variant (1), intron variant (1).
Genome position (GRCh38, 1-based): chr9:132,925,673-132,925,687, GTAACGAGAGGATGG replaced by TA on the plus strand (CCATCCTCTCGTTAC replaced by TA on the coding strand, the reverse complement: TSC1 is on the minus strand). VCF-style: chr9-132925673-GTAACGAGAGGATGG-TA. GRCh37 (hg19) VCF-style: chr9-135801060-GTAACGAGAGGATGG-TA.
Other names: c.263_277delCCATCCTCTCGTTACinsTA, p.Ser88Leufs (NM_001406609.1, NM_001406592.1, NM_001406593.1 and 15 more transcripts); c.-101_-87delCCATCCTCTCGTTACinsTA (NM_001406619.1, NM_001406620.1, NM_001406617.1 and 4 more transcripts); c.-226_-212delCCATCCTCTCGTTACinsTA (NM_001406615.1, NM_001406623.1); c.-193_-179delCCATCCTCTCGTTACinsTA (NM_001406616.1, NM_001406614.1, NM_001406624.1); c.263_277delinsTA, p.Ser88fs (NM_001162426.2); c.-101_-87delinsTA (NM_001362177.2); c.-615_-601delCCATCCTCTCGTTACinsTA (NM_001406626.1, NM_001406627.1, NM_001406628.1); c.-757_-743delCCATCCTCTCGTTACinsTA (NM_001406629.1); and 3 more; short protein forms S88fs.
Identifiers: ClinVar variation 1794041 (VCV001794041.2), dbSNP rs2539075137, ClinGen allele CA2580080081.